The following is an entry in ClinVar:

NM_000059.4(BRCA2):c.2329G>A (p.Asp777Asn)

Gene: BRCA2 (BRCA2 DNA repair associated; plus strand). Cytogenetic location: 13q13.1.
Variant type: single nucleotide variant.
Coding change: c.2329G>A on transcript NM_000059.4 (MANE Select); coding-DNA position 2329, G replaced by A.
Protein change: p.Asp777Asn; replaces aspartic acid 777 with asparagine.
Molecular consequence: missense variant.
Genome position (GRCh38, 1-based): chr13:32,336,684, G>A. VCF-style: chr13-32336684-G-A. GRCh37 (hg19) VCF-style: chr13-32910821-G-A.
Other names: c.2329G>A, p.Asp777Asn (NM_001406719.1, NM_001406720.1); short protein forms D777N.
Identifiers: ClinVar variation 1789688 (VCV001789688.4), dbSNP rs2072455387, ClinGen allele CA387771511.

ClinVar aggregate classification (germline): Conflicting classifications of pathogenicity. Review status: criteria provided, conflicting classifications (1 of 4 stars). 2 submissions from 2 submitters: Uncertain significance (1); Likely benign (1). Last evaluated 2023-03-23.

Conditions:
Hereditary cancer-predisposing syndrome. Also called: Hereditary Cancer Syndrome; Hereditary neoplastic syndrome; Tumor predisposition; Neoplastic Syndromes, Hereditary. Identifiers: Orphanet 140162, MedGen C0027672, MeSH D009386, MONDO:0015356.

Submissions (2):

University of Washington Department of Laboratory Medicine, University of Washington
Classification: Likely benign for Hereditary cancer-predisposing syndrome. Last evaluated: 2023-03-23. Review status: criteria provided, single submitter. Criteria: Dines et al. (Genet Med. 2020). Collection method: curation. Allele origin: germline.
Comment: Missense variant in a coldspot region where missense variants are very unlikely to be pathogenic (PMID:31911673).

BRCA2 exon 11 coldspot. Reclassification based on statistical prior probability.

Ambry Genetics
Classification: Uncertain significance for Hereditary cancer-predisposing syndrome. Last evaluated: 2022-08-26. Review status: criteria provided, single submitter. Criteria: Ambry Variant Classification Scheme 2023. Collection method: clinical testing. Allele origin: germline.
Comment: The p.D777N variant (also known as c.2329G>A), located in coding exon 10 of the BRCA2 gene, results from a G to A substitution at nucleotide position 2329. The aspartic acid at codon 777 is replaced by asparagine, an amino acid with highly similar properties. This alteration has been reported in a breast cancer patient (Abulkhair O et al. J Glob Oncol, 2018 08;4:1-9). This amino acid position is not well conserved in available vertebrate species. In addition, this alteration is predicted to be tolerated by in silico analysis. Since supporting evidence is limited at this time, the clinical significance of this alteration remains unclear.

Literature cited by the submitters: PubMed 30199306 (cited by Ambry Genetics).